The following is an entry in ClinVar:

NM_001242957.3(MAK):c.695C>T (p.Ser232Phe)

Gene: MAK (male germ cell associated kinase; minus strand). Cytogenetic location: 6p24.2.
Variant type: single nucleotide variant.
Coding change: c.695C>T on transcript NM_001242957.3 (MANE Select); coding-DNA position 695, C replaced by T.
Protein change: p.Ser232Phe; replaces serine 232 with phenylalanine.
Molecular consequence: missense variant. On other transcripts: non-coding transcript variant (2).
Genome position (GRCh38, 1-based): chr6:10,802,028, G>A on the plus strand (C>T on the coding strand, the complement: MAK is on the minus strand). VCF-style: chr6-10802028-G-A. GRCh37 (hg19) VCF-style: chr6-10802261-G-A.
Other names: c.695C>T, p.Ser232Phe (NM_001242385.2, NM_005906.6); c.593C>T, p.Ser198Phe (NM_001377262.1); short protein forms S198F, S232F.
Identifiers: ClinVar variation 2088979 (VCV002088979.4), dbSNP rs2532468951, ClinGen allele CA362720260.

ClinVar aggregate classification (germline): Uncertain significance (1 of 4 stars; one submission).

Submission:

Labcorp Genetics (formerly Invitae), Labcorp
Classification: Uncertain significance. Last evaluated: 2022-10-05. Review status: criteria provided, single submitter. Criteria: Invitae Variant Classification Sherloc (09022015). Collection method: clinical testing. Allele origin: germline.
Comment: In summary, the available evidence is currently insufficient to determine the role of this variant in disease. Therefore, it has been classified as a Variant of Uncertain Significance. Advanced modeling of protein sequence and biophysical properties (such as structural, functional, and spatial information, amino acid conservation, physicochemical variation, residue mobility, and thermodynamic stability) performed at Invitae indicates that this missense variant is not expected to disrupt MAK protein function. This variant has not been reported in the literature in individuals affected with MAK-related conditions. This variant is not present in population databases (gnomAD no frequency). This sequence change replaces serine, which is neutral and polar, with phenylalanine, which is neutral and non-polar, at codon 232 of the MAK protein (p.Ser232Phe).